The following is an entry in ClinVar:

ClinVar aggregate classification (germline): Pathogenic (1 of 4 stars; one submission).

Conditions:
GLUT1 deficiency syndrome 1, autosomal recessive. Identifiers: MedGen C3149117.

Submission:

Labcorp Genetics (formerly Invitae), Labcorp
Classification: Pathogenic for GLUT1 deficiency syndrome 1, autosomal recessive. Last evaluated: 2023-04-11. Review status: criteria provided, single submitter. Criteria: Invitae Variant Classification Sherloc (09022015). Collection method: clinical testing. Allele origin: germline.
Comment: For these reasons, this variant has been classified as Pathogenic. This variant has not been reported in the literature in individuals affected with SLC2A1-related conditions. This variant is not present in population databases (gnomAD no frequency). This sequence change creates a premature translational stop signal (p.Gly157Cysfs*32) in the SLC2A1 gene. It is expected to result in an absent or disrupted protein product. Loss-of-function variants in SLC2A1 are known to be pathogenic (PMID: 21832227, 26193382).

Literature cited by the submitters: PubMed 21832227; PubMed 26193382.

NM_006516.4(SLC2A1):c.469_475del (p.Gly157fs)

Gene: SLC2A1 (solute carrier family 2 member 1; minus strand). Cytogenetic location: 1p34.2.
Variant type: Deletion.
Coding change: c.469_475del on transcript NM_006516.4 (MANE Select); coding-DNA positions 469 to 475, 7 bases deleted (GGCACCC; older notation c.469_475delGGCACCC).
Protein change: p.Gly157fs; shifts the reading frame from glycine 157.
Molecular consequence: frameshift variant.
Genome position (GRCh38, 1-based): chr1:42,930,667-42,930,673, GGGTGCC deleted on the plus strand (GGCACCC on the coding strand, the reverse complement: SLC2A1 is on the minus strand). VCF-style (leftmost placement, unchanged base first): chr1-42930666-AGGGTGCC-A. GRCh37 (hg19) VCF-style: chr1-43396337-AGGGTGCC-A.
Other names: short protein forms G157fs.
Identifiers: ClinVar variation 2855231 (VCV002855231.3), dbSNP rs2524997437, ClinGen allele CA2739272510.
Genomic context (GRCh38, chr1:42,930,666, plus strand): 5'-TAGATCCTGCCCCAGCTTACCTGGGCGATGAGGATGCCGACGACGATGCCCAGCTGGTGC[AGGGTGCC>A]CAGGGCCCCACGAAGGGCTGTGGGTGACACTTCACCCACATACATGGGCACGAAGCCTGT-3'